The following is an entry in ClinVar:

ClinVar aggregate classification (germline): Uncertain significance (1 of 4 stars; one submission).

gnomAD v4.1: 3 of 1,614,218 alleles (0.00019%); highest among the groups gnomAD compares: Non-Finnish European, 0.00025%; no homozygotes.

Submission:

Labcorp Genetics (formerly Invitae), Labcorp
Classification: Uncertain significance. Last evaluated: 2025-01-01. Review status: criteria provided, single submitter. Criteria: Invitae Variant Classification Sherloc (09022015). Collection method: clinical testing. Allele origin: germline.
Comment: This sequence change replaces lysine, which is basic and polar, with arginine, which is basic and polar, at codon 2615 of the NSD1 protein (p.Lys2615Arg). This variant is not present in population databases (gnomAD no frequency). This variant has not been reported in the literature in individuals affected with NSD1-related conditions. Invitae Evidence Modeling of protein sequence and biophysical properties (such as structural, functional, and spatial information, amino acid conservation, physicochemical variation, residue mobility, and thermodynamic stability) has been performed for this missense variant. However, the output from this modeling did not meet the statistical confidence thresholds required to predict the impact of this variant on NSD1 protein function. In summary, the available evidence is currently insufficient to determine the role of this variant in disease. Therefore, it has been classified as a Variant of Uncertain Significance.

NM_022455.5(NSD1):c.7844A>G (p.Lys2615Arg)

Gene: NSD1 (nuclear receptor binding SET domain protein 1; plus strand). Cytogenetic location: 5q35.3.
Variant type: single nucleotide variant.
Coding change: c.7844A>G on transcript NM_022455.5 (MANE Select); coding-DNA position 7844, A replaced by G.
Protein change: p.Lys2615Arg; replaces lysine 2615 with arginine.
Molecular consequence: missense variant.
Genome position (GRCh38, 1-based): chr5:177,295,212, A>G. VCF-style: chr5-177295212-A-G. GRCh37 (hg19) VCF-style: chr5-176722213-A-G.
Other names: c.6971A>G, p.Lys2324Arg (NM_001365684.2, NM_001409308.1, NM_172349.5); c.7844A>G, p.Lys2615Arg (NM_001409301.1, NM_001409302.1, NM_001409303.1); c.7424A>G, p.Lys2475Arg (NM_001409304.1); c.7091A>G, p.Lys2364Arg (NM_001409305.1); c.7082A>G, p.Lys2361Arg (NM_001409306.1, NM_001409307.1); c.6722A>G, p.Lys2241Arg (NM_001409309.1); short protein forms K2475R, K2241R, K2364R, K2361R, K2324R, K2615R.
Identifiers: ClinVar variation 3707351 (VCV003707351.2).